The following is an entry in ClinVar:

NM_182961.4(SYNE1):c.7478A>G (p.Asn2493Ser)

Gene: SYNE1 (spectrin repeat containing nuclear envelope protein 1; minus strand). Cytogenetic location: 6q25.2.
Variant type: single nucleotide variant.
Coding change: c.7478A>G on transcript NM_182961.4 (MANE Select); coding-DNA position 7478, A replaced by G.
Protein change: p.Asn2493Ser; replaces asparagine 2493 with serine.
Molecular consequence: missense variant.
Genome position (GRCh38, 1-based): chr6:152,396,853, T>C on the plus strand (A>G on the coding strand, the complement: SYNE1 is on the minus strand). VCF-style: chr6-152396853-T-C. GRCh37 (hg19) VCF-style: chr6-152717988-T-C.
Other names: c.7499A>G, p.Asn2500Ser (NM_033071.5); short protein forms N2500S, N2493S.
Identifiers: ClinVar variation 837512 (VCV000837512.10), dbSNP rs763615170, ClinGen allele CA4057811.

ClinVar aggregate classification (germline): Uncertain significance. Review status: criteria provided, multiple submitters, no conflicts (2 of 4 stars). 2 submissions from 2 submitters: Uncertain significance (2). Last evaluated 2024-07-19.

Conditions:
Emery-Dreifuss muscular dystrophy 4, autosomal dominant (EDMD4). Also called: EMERY-DREIFUSS MUSCULAR DYSTROPHY 4 WITH VARIABLE FEATURES. Identifiers: Orphanet 261, MedGen C2751807, MONDO:0013071, OMIM 612998.
Autosomal recessive ataxia, Beauce type. Also called: Spinocerebellar ataxia, autosomal recessive 8; ATAXIA, RECESSIVE, OF BEAUCE; SYNE1-Related Autosomal Recessive Cerebellar Ataxia; SYNE1 Deficiency. Identifiers: Orphanet 88644, MedGen C1853116, MONDO:0012549, OMIM 610743.

Allele frequency attached by ClinVar (database versions not stated): ExAC 0.00001; gnomAD exomes 0.00001; TOPMed 0.00004; gnomAD 0.00005 and 0.00006.
gnomAD v4.1: 16 of 1,614,102 alleles (0.00099%); highest among the groups gnomAD compares: African/African-American, 0.0067%; no homozygotes.

Submissions (2):

Revvity Omics, Revvity
Classification: Uncertain significance. Last evaluated: 2024-07-19. Review status: criteria provided, single submitter. Criteria: ACMG Guidelines, 2015. Collection method: clinical testing. Allele origin: germline.

Labcorp Genetics (formerly Invitae), Labcorp
Classification: Uncertain significance for Emery-Dreifuss muscular dystrophy 4, autosomal dominant; Autosomal recessive ataxia, Beauce type. Last evaluated: 2022-04-22. Review status: criteria provided, single submitter. Criteria: Invitae Variant Classification Sherloc (09022015). Collection method: clinical testing. Allele origin: germline.
Comment: This variant is present in population databases (rs763615170, gnomAD 0.01%). This variant has not been reported in the literature in individuals affected with SYNE1-related conditions. ClinVar contains an entry for this variant (Variation ID: 837512). Algorithms developed to predict the effect of missense changes on protein structure and function are either unavailable or do not agree on the potential impact of this missense change (SIFT: "Deleterious"; PolyPhen-2: "Benign"; Align-GVGD: "Class C45"). In summary, the available evidence is currently insufficient to determine the role of this variant in disease. Therefore, it has been classified as a Variant of Uncertain Significance. This sequence change replaces asparagine, which is neutral and polar, with serine, which is neutral and polar, at codon 2500 of the SYNE1 protein (p.Asn2500Ser).